The following is an entry in ClinVar:

NM_033305.3(VPS13A):c.12del (p.Glu4fs)

Genes: VPS13A (vacuolar protein sorting 13 homolog A; plus strand), VPS13A-AS1 (VPS13A antisense RNA 1; minus strand). Cytogenetic location: 9q21.2.
Variant type: Deletion.
Coding change: c.12del on transcript NM_033305.3 (MANE Select); coding-DNA position 12, one base deleted (G; older notation c.12delG).
Protein change: p.Glu4fs; shifts the reading frame from glutamic acid 4.
Molecular consequence: frameshift variant. On other transcripts: non-coding transcript variant (1).
Genome position (GRCh38, 1-based): chr9:77,177,716, G deleted. VCF-style (leftmost placement, unchanged base first): chr9-77177715-AG-A. GRCh37 (hg19) VCF-style: chr9-79792631-AG-A.
Other names: c.12del, p.Glu4fs (NM_001018037.2, NM_001018038.3, NM_015186.4); short protein forms E4fs.
Identifiers: ClinVar variation 4816376 (VCV004816376.1).
Genomic context (GRCh38, chr9:77,177,715, plus strand): 5'-GGGAGGAGGAGCGCACGGGCCGGCTGCCGTGCCCACCACGGCTGAGGAACATGGTTTTCG[AG>A]TCGGTGGTCGTGGACGTGTTGAACCGGTTCTTGGGGGACTATGTGGTGGACTTGGACACG-3'

ClinVar aggregate classification (germline): Likely pathogenic (1 of 4 stars; one submission).

Conditions:
VPS13A-related neurodegenerative disease. Also called: LEVINE-CRITCHLEY SYNDROME; Choreoacanthocytosis; Chorea-acanthocytosis; ACANTHOCYTOSIS WITH NEUROLOGIC DISORDER; VPS13A Disease; Choreaacanthocytosis. Identifiers: Orphanet 2388, MedGen C0393576, MONDO:0008695, OMIM 200150.

Submission:

Natera, Inc.
Classification: Likely pathogenic for Choreaacanthocytosis. Last evaluated: 2024-04-23. Review status: criteria provided, single submitter. Criteria: Natera Variant Classification Schema (03/2026). Collection method: clinical testing. Allele origin: germline.
Comment: The c.12delG variant in VPS13A is a frameshift variant predicted to shift the reading frame beginning at codon 4 and leads to a stop codon 8 codons downstream. This variant is expected to result in nonsense mediated decay, truncation, or a dysfunctional protein product. This variant is rare in the general population with a frequency below the threshold expected for the associated phenotype(s). Given the available evidence, this variant is classified as Likely Pathogenic.